The following is an entry in ClinVar:

ClinVar aggregate classification (germline): Likely benign (1 of 4 stars; one submission).

Submission:

GeneDx
Classification: Likely benign. Last evaluated: 2018-05-31. Review status: criteria provided, single submitter. Criteria: GeneDx Variant Classification (06012015). Collection method: clinical testing. Allele origin: germline. Affected: yes.
Comment: This variant is considered likely benign or benign based on one or more of the following criteria: it is a conservative change, it occurs at a poorly conserved position in the protein, it is predicted to be benign by multiple in silico algorithms, and/or has population frequency not consistent with disease.

NM_001384140.1(PCDH15):c.2868+8G>T

Gene: PCDH15 (protocadherin related 15; minus strand). Cytogenetic location: 10q21.1.
Variant type: single nucleotide variant.
Coding change: c.2868+8G>T on transcript NM_001384140.1 (MANE Select); 8 bases into the intron after coding-DNA position 2868, G replaced by T.
Molecular consequence: intron variant. On other transcripts: missense variant (1).
Genome position (GRCh38, 1-based): chr10:53,995,641, C>A on the plus strand (G>T on the coding strand, the complement: PCDH15 is on the minus strand). VCF-style: chr10-53995641-C-A. GRCh37 (hg19) VCF-style: chr10-55755401-C-A.
Other names: c.2876G>T, p.Arg959Ile (NM_001354430.2); c.2868+8G>T (NM_001354420.2, NM_001354429.2, NM_001142772.2 and 4 more transcripts); c.2883+8G>T (NM_001142771.2, NM_001142763.2); c.2889+8G>T (NM_001354411.2); c.2904+8G>T (NM_001142769.3); c.2802+8G>T (NM_001354404.2, NM_001142773.2, NM_001142768.2); c.2757+8G>T (NM_001142767.2); c.2655+8G>T (NM_001142765.2); short protein forms R959I.
Identifiers: ClinVar variation 668629 (VCV000668629.1), dbSNP rs1283676141, ClinGen allele CA376514864.
Genomic context (GRCh38, chr10:53,995,641, plus strand): 5'-GGTCATTTATGAGTGTTAAGGATTTTTCTCAGTACAGTTCAGAATATTAATCAATGCCTT[C>A]TACTTACAGGAGGGTCTGCATCTTCAGCATAAACTGTTGTGATAGGTGTACCCTTGACTG-3'